The following is an entry in ClinVar:

NM_014363.6(SACS):c.10233G>A (p.Pro3411=)

Gene: SACS (sacsin molecular chaperone; minus strand). Cytogenetic location: 13q12.12.
Variant type: single nucleotide variant.
Coding change: c.10233G>A on transcript NM_014363.6 (MANE Select); coding-DNA position 10233, G replaced by A.
Protein change: p.Pro3411=; no amino-acid change (proline 3411 retained).
Molecular consequence: synonymous variant.
Genome position (GRCh38, 1-based): chr13:23,333,643, C>T on the plus strand (G>A on the coding strand, the complement: SACS is on the minus strand). VCF-style: chr13-23333643-C-T. GRCh37 (hg19) VCF-style: chr13-23907782-C-T.
Other names: c.9792G>A, p.Pro3264= (NM_001278055.2); c.10233G>A (NM_014363.4, NM_014363.5).
Identifiers: ClinVar variation 1096239 (VCV001096239.12), dbSNP rs750961199, ClinGen allele CA6910483.

ClinVar aggregate classification (germline): Likely benign. Review status: criteria provided, multiple submitters, no conflicts (2 of 4 stars). 3 submissions from 3 submitters: Likely benign (2). 1 of the submissions does not count toward it. Last evaluated 2024-11-18.

Conditions:
SACS-related disorder. Also called: SACS-related condition.
Spastic paraplegia. Identifiers: MedGen C0037772, HP:0001258.

Allele frequency attached by ClinVar (database versions not stated): TOPMed 0.00005.
gnomAD v4.1: 61 of 1,613,616 alleles (0.0038%); highest among the groups gnomAD compares: African/African-American, 0.0053%; no homozygotes.

Submissions (3):

Athena Diagnostics
Classification: Likely benign. Last evaluated: 2024-11-18. Review status: criteria provided, single submitter. Criteria: Athena Diagnostics Criteria. Collection method: clinical testing. Allele origin: unknown.

Labcorp Genetics (formerly Invitae), Labcorp
Classification: Likely benign for Spastic paraplegia. Last evaluated: 2024-06-28. Review status: criteria provided, single submitter. Criteria: Invitae Variant Classification Sherloc (09022015). Collection method: clinical testing. Allele origin: germline.

PreventionGenetics, part of Exact Sciences
Classification: Likely benign for SACS-related condition. Last evaluated: 2019-04-10. Review status: no assertion criteria provided. Collection method: clinical testing. Allele origin: germline. Not counted in ClinVar's aggregate classification.
Comment: This variant is classified as likely benign based on ACMG/AMP sequence variant interpretation guidelines (Richards et al. 2015 PMID: 25741868, with internal and published modifications).